The following is an entry in ClinVar:

NM_016343.4(CENPF):c.235C>T (p.Leu79=)

Genes: CENPF (centromere protein F; plus strand), LOC126806006 (BRD4-independent group 4 enhancer GRCh37_chr1:214788162-214789361; plus strand). Cytogenetic location: 1q41.
Variant type: single nucleotide variant.
Coding change: c.235C>T on transcript NM_016343.4 (MANE Select); coding-DNA position 235, C replaced by T.
Protein change: p.Leu79=; no amino-acid change (leucine 79 retained).
Molecular consequence: synonymous variant.
Genome position (GRCh38, 1-based): chr1:214,614,904, C>T. VCF-style: chr1-214614904-C-T. GRCh37 (hg19) VCF-style: chr1-214788247-C-T.
Identifiers: ClinVar variation 2639888 (VCV002639888.24), dbSNP rs199586456, ClinGen allele CA423312609.

ClinVar aggregate classification (germline): Likely benign (1 of 4 stars; one submission).

Submission:

CeGaT Center for Human Genetics Tuebingen
Classification: Likely benign. Last evaluated: 2023-01-01. Review status: criteria provided, single submitter. Criteria: CeGaT Center For Human Genetics Tuebingen Variant Classification Criteria Version 2. Collection method: clinical testing. Allele origin: germline. Affected: yes. Observed: 1 variant allele.
Comment: CENPF: PM2:Supporting, BP4, BP7